The following is an entry in ClinVar:

NM_001105206.3(LAMA4):c.1598C>A (p.Ser533Tyr)

Gene: LAMA4 (laminin subunit alpha 4; minus strand). Cytogenetic location: 6q21.
Variant type: single nucleotide variant.
Coding change: c.1598C>A on transcript NM_001105206.3 (MANE Select); coding-DNA position 1598, C replaced by A.
Protein change: p.Ser533Tyr; replaces serine 533 with tyrosine.
Molecular consequence: missense variant.
Genome position (GRCh38, 1-based): chr6:112,165,230, G>T on the plus strand (C>A on the coding strand, the complement: LAMA4 is on the minus strand). VCF-style: chr6-112165230-G-T. GRCh37 (hg19) VCF-style: chr6-112486432-G-T.
Other names: c.1577C>A, p.Ser526Tyr (NM_001105207.3, NM_002290.5); c.1577C>A (LRG_433t2); short protein forms S526Y, S533Y.
Identifiers: ClinVar variation 373791 (VCV000373791.1), dbSNP rs782202196, ClinGen allele CA3965725.
Genomic context (GRCh38, chr6:112,165,230, plus strand): 5'-TCATCAAGTTCTGAAAGAGTTAGACGAGGTGTTGTCAGAGAGTCCGCAGATGTGCTCAGA[G>T]ACATGTTCACCACTTCCATTTGTTCCCTCACTCTTTCCTGTTGTTTCTGCGGGAAGGAAG-3'
Protein context (NP_001098676.2, residues 523-543): VREQMEVVNM[Ser533Tyr]LSTSADSLTT

ClinVar aggregate classification (germline): Uncertain significance (1 of 4 stars; one submission).

Allele frequency attached by ClinVar (database versions not stated): TOPMed below 0.00001.
gnomAD v4.1: 2 of 1,613,756 alleles (0.00012%); highest among the groups gnomAD compares: Non-Finnish European, 0.000085%; no homozygotes.

Submission:

GeneDx
Classification: Uncertain significance. Last evaluated: 2016-12-13. Review status: criteria provided, single submitter. Criteria: GeneDx Variant Classification (06012015). Collection method: clinical testing. Allele origin: germline. Affected: yes.
Comment: A variant of uncertain significance has been identified in the LAMA4 gene. The S526Y variant has not been published as a pathogenic variant or been reported as a benign variant to our knowledge. This variant was not observed in approximately 6,500 individuals of European and African American ancestry in the NHLBI Exome Sequencing Project or with any significant frequency in the Exome Aggregation Consortium, indicating it is not a common benign variant in these populations. The S526Y variant is a semi-conservative amino acid substitution, which may impact secondary protein structure as these residues differ in some properties. Additionally, this substitution occurs at a position that is conserved across species. Nevertheless, in silico analysis is inconsistent in its predictions as to whether or not the variant is damaging to the protein structure/function.Therefore, based on the currently available information, it is unclear whether this variant is pathogenic or benign. This result cannot be interpreted for diagnosis or used for family member screening at this time.